The following is an entry in ClinVar:

NM_016379.4(VCX3A):c.*2C>T

Genes: VCX3A (variable charge X-linked 3A; minus strand), LOC106029240 (S232-VCX3A recombination region; plus strand). Cytogenetic location: Xp22.31.
Variant type: single nucleotide variant.
Coding change: c.*2C>T on transcript NM_016379.4 (MANE Select); 2 bases downstream of the stop codon, C replaced by T.
Molecular consequence: 3 prime UTR variant.
Genome position (GRCh38, 1-based): chrX:6,533,743, G>A on the plus strand (C>T on the coding strand, the complement: VCX3A is on the minus strand). VCF-style: chrX-6533743-G-A. GRCh37 (hg19) VCF-style: chrX-6451784-G-A.
Identifiers: ClinVar variation 3057107 (VCV003057107.2), dbSNP rs149365061, ClinGen allele CA10341401.
Genomic context (GRCh38, chrX:6,533,743, plus strand): 5'-AGGTCTGGCGGCTGGGCCTGAACTTAGTCGCTGCTCTCGGAGATAGGGGAGTAGCTGGCC[G>A]TCTACACACTCGGTAGTTCTTCCATCTCGCTCTCCTGACTCAGTGGTTCCTCCACCTGGC-3'

ClinVar aggregate classification (germline): Likely benign (0 of 4 stars; one submission).

Conditions:
VCX3A-related disorder. Also called: VCX3A-related condition.

Allele frequency attached by ClinVar (database versions not stated): 1000 Genomes Project 30x 0.00645; gnomAD 0.00806; 1000 Genomes Project 0.00927; ESP Exome Variant Server 0.01180; ExAC 0.01462.

Submission:

PreventionGenetics, part of Exact Sciences
Classification: Likely benign for VCX3A-related condition. Last evaluated: 2023-05-30. Review status: no assertion criteria provided. Collection method: clinical testing. Allele origin: germline.
Comment: This variant is classified as likely benign based on ACMG/AMP sequence variant interpretation guidelines (Richards et al. 2015 PMID: 25741868, with internal and published modifications).